The following is an entry in ClinVar:

NM_003476.5(CSRP3):c.155A>C (p.His52Pro)

Gene: CSRP3 (cysteine and glycine rich protein 3; minus strand). Cytogenetic location: 11p15.1.
Variant type: single nucleotide variant.
Coding change: c.155A>C on transcript NM_003476.5 (MANE Select); coding-DNA position 155, A replaced by C.
Protein change: p.His52Pro; replaces histidine 52 with proline.
Molecular consequence: missense variant. On other transcripts: intron variant (1).
Genome position (GRCh38, 1-based): chr11:19,188,262, T>G on the plus strand (A>C on the coding strand, the complement: CSRP3 is on the minus strand). VCF-style: chr11-19188262-T-G. GRCh37 (hg19) VCF-style: chr11-19209809-T-G.
Other names: c.155A>C, p.His52Pro (NM_001127656.1); c.113-1914A>C (NM_001369404.1); short protein forms H52P.
Identifiers: ClinVar variation 2056363 (VCV002056363.4), dbSNP rs767326021, ClinGen allele CA379888370.
Genomic context (GRCh38, chr11:19,188,262, plus strand): 5'-CCGATCCCTTTGGGGCCATATCTGCGCCCATAGCACACCTTGCAGTAGATCTCCGACTCA[T>G]GAGCCGCGACTGTCGTGCTGTCAAGAGCCTTCCTGCAGGCCACTGCCAGGAAAAGGAAGG-3'
Protein context (NP_003467.1, residues 42-62): KALDSTTVAA[His52Pro]ESEIYCKVCY

ClinVar aggregate classification (germline): Uncertain significance (1 of 4 stars; one submission).

Conditions:
Dilated cardiomyopathy 1M (CMD1M). Identifiers: Orphanet 154, MedGen C1843808, MONDO:0011840, OMIM 607482.
Hypertrophic cardiomyopathy 12. Identifiers: MedGen C2677491, MONDO:0012804, OMIM 612124.

Submission:

Labcorp Genetics (formerly Invitae), Labcorp
Classification: Uncertain significance for Hypertrophic cardiomyopathy 12; Dilated cardiomyopathy 1M. Last evaluated: 2022-03-08. Review status: criteria provided, single submitter. Criteria: Invitae Variant Classification Sherloc (09022015). Collection method: clinical testing. Allele origin: germline.
Comment: In summary, the available evidence is currently insufficient to determine the role of this variant in disease. Therefore, it has been classified as a Variant of Uncertain Significance. Algorithms developed to predict the effect of missense changes on protein structure and function (SIFT, PolyPhen-2, Align-GVGD) all suggest that this variant is likely to be disruptive. This variant has not been reported in the literature in individuals affected with CSRP3-related conditions. This variant is not present in population databases (gnomAD no frequency). This sequence change replaces histidine, which is basic and polar, with proline, which is neutral and non-polar, at codon 52 of the CSRP3 protein (p.His52Pro).